The following is an entry in ClinVar:

ClinVar aggregate classification (germline): Pathogenic. Review status: criteria provided, single submitter (1 of 4 stars). 2 submissions from 2 submitters: Pathogenic (1). 1 of the submissions does not count toward it. Last evaluated 2023-06-07.

Conditions:
Cohen syndrome (COH1). Also called: Cutis verticis gyrata, retinitis pigmentosa, and sensorineural deafness; PEPPER SYNDROME. Identifiers: Orphanet 193, MedGen C0265223, MONDO:0008999, OMIM 216550.

Submissions (2):

Labcorp Genetics (formerly Invitae), Labcorp
Classification: Pathogenic for Cohen syndrome. Last evaluated: 2023-06-07. Review status: criteria provided, single submitter. Criteria: Invitae Variant Classification Sherloc (09022015). Collection method: clinical testing. Allele origin: germline.
Comment: This sequence change creates a premature translational stop signal (p.Ile3284Phefs*32) in the VPS13B gene. It is expected to result in an absent or disrupted protein product. Loss-of-function variants in VPS13B are known to be pathogenic (PMID: 15141358, 16648375, 20461111). This variant is present in population databases (rs774357106, gnomAD 0.003%). This variant has not been reported in the literature in individuals affected with VPS13B-related conditions. ClinVar contains an entry for this variant (Variation ID: 370602). For these reasons, this variant has been classified as Pathogenic.

Counsyl
Classification: Likely pathogenic for Cohen syndrome. Last evaluated: 2016-03-07. Review status: no assertion criteria provided. Collection method: clinical testing. Allele origin: unknown. Not counted in ClinVar's aggregate classification.

Literature cited by the submitters: PubMed 15141358 (cited by Labcorp Genetics (formerly Invitae), Labcorp); PubMed 16648375 (cited by Labcorp Genetics (formerly Invitae), Labcorp); PubMed 20461111 (cited by Labcorp Genetics (formerly Invitae), Labcorp).

NM_152564.5(VPS13B):c.9775del (p.Ile3259fs)

Gene: VPS13B (vacuolar protein sorting 13 homolog B; plus strand). Cytogenetic location: 8q22.2.
Variant type: Deletion.
Coding change: c.9775del on transcript NM_152564.5 (MANE Select); coding-DNA position 9775, one base deleted (A; older notation c.9775delA).
Protein change: p.Ile3259fs; shifts the reading frame from isoleucine 3259.
Molecular consequence: frameshift variant.
Genome position (GRCh38, 1-based): chr8:99,835,571, A deleted; the last of 7 consecutive A bases (chr8:99,835,565-99,835,571); deleting any one gives the same sequence. VCF-style (leftmost placement, unchanged base first): chr8-99835564-CA-C. GRCh37 (hg19) VCF-style: chr8-100847792-CA-C.
Other names: c.9850delA (NM_017890.4); c.9850del, p.Ile3284fs (NM_017890.5); short protein forms I3284fs, I3259fs.
Identifiers: ClinVar variation 370602 (VCV000370602.8), dbSNP rs774357106, ClinGen allele CA4824800.